The following is an entry in ClinVar:

NM_206933.4(USH2A):c.14381G>A (p.Gly4794Asp)

Gene: USH2A (usherin; minus strand). Cytogenetic location: 1q41.
Variant type: single nucleotide variant.
Coding change: c.14381G>A on transcript NM_206933.4 (MANE Select); coding-DNA position 14381, G replaced by A.
Protein change: p.Gly4794Asp; replaces glycine 4794 with aspartic acid.
Molecular consequence: missense variant.
Genome position (GRCh38, 1-based): chr1:215,648,729, C>T on the plus strand (G>A on the coding strand, the complement: USH2A is on the minus strand). VCF-style: chr1-215648729-C-T. GRCh37 (hg19) VCF-style: chr1-215822071-C-T.
Other names: c.14381G>A (NM_206933.2); short protein forms G4794D.
Identifiers: ClinVar variation 2202170 (VCV002202170.2), dbSNP rs767808761, ClinGen allele CA1393026.

ClinVar aggregate classification (germline): Uncertain significance. Review status: criteria provided, multiple submitters, no conflicts (2 of 4 stars). 2 submissions from 2 submitters: Uncertain significance (2). Last evaluated 2024-12-15.

Conditions:
Inborn genetic diseases. Identifiers: MedGen C0950123, MeSH D030342.

Allele frequency attached by ClinVar (database versions not stated): ExAC 0.00001; gnomAD 0.00002; TOPMed 0.00003; gnomAD exomes 0.00005.
gnomAD v4.1: 73 of 1,613,998 alleles (0.0045%); highest among the groups gnomAD compares: Non-Finnish European, 0.0061%; no homozygotes.

Submissions (2):

Ambry Genetics
Classification: Uncertain significance for Inborn genetic diseases. Last evaluated: 2024-12-15. Review status: criteria provided, single submitter. Criteria: Ambry Variant Classification Scheme 2023. Collection method: clinical testing. Allele origin: germline.

Labcorp Genetics (formerly Invitae), Labcorp
Classification: Uncertain significance. Last evaluated: 2022-10-13. Review status: criteria provided, single submitter. Criteria: Invitae Variant Classification Sherloc (09022015). Collection method: clinical testing. Allele origin: germline.
Comment: This sequence change replaces glycine, which is neutral and non-polar, with aspartic acid, which is acidic and polar, at codon 4794 of the USH2A protein (p.Gly4794Asp). This variant is present in population databases (rs767808761, gnomAD 0.0008%). This variant has not been reported in the literature in individuals affected with USH2A-related conditions. Advanced modeling of protein sequence and biophysical properties (such as structural, functional, and spatial information, amino acid conservation, physicochemical variation, residue mobility, and thermodynamic stability) performed at Invitae indicates that this missense variant is not expected to disrupt USH2A protein function. In summary, the available evidence is currently insufficient to determine the role of this variant in disease. Therefore, it has been classified as a Variant of Uncertain Significance.